The following is an entry in ClinVar:

ClinVar aggregate classification (germline): Uncertain significance. Review status: criteria provided, multiple submitters, no conflicts (2 of 4 stars). 2 submissions from 2 submitters: Uncertain significance (2). Last evaluated 2025-09-16.

Allele frequency attached by ClinVar (database versions not stated): TOPMed 0.00004; 1000 Genomes Project 30x 0.00016; 1000 Genomes Project 0.00020.

Submissions (2):

Ambry Genetics
Classification: Uncertain significance. Last evaluated: 2025-09-16. Review status: criteria provided, single submitter. Criteria: Ambry Variant Classification Scheme 2023. Collection method: clinical testing. Allele origin: germline.

Labcorp Genetics (formerly Invitae), Labcorp
Classification: Uncertain significance. Last evaluated: 2023-09-19. Review status: criteria provided, single submitter. Criteria: Invitae Variant Classification Sherloc (09022015). Collection method: clinical testing. Allele origin: germline.
Comment: This variant is present in population databases (rs200127156, gnomAD 0.01%). In summary, the available evidence is currently insufficient to determine the role of this variant in disease. Therefore, it has been classified as a Variant of Uncertain Significance. An algorithm developed to predict the effect of missense changes on protein structure and function (PolyPhen-2) suggests that this variant is likely to be disruptive. ClinVar contains an entry for this variant (Variation ID: 2151190). This variant has not been reported in the literature in individuals affected with SPPL2A-related conditions. This sequence change replaces alanine, which is neutral and non-polar, with valine, which is neutral and non-polar, at codon 179 of the SPPL2A protein (p.Ala179Val).

NM_032802.4(SPPL2A):c.536C>T (p.Ala179Val)

Gene: SPPL2A (signal peptide peptidase like 2A; minus strand). Cytogenetic location: 15q21.2.
Variant type: single nucleotide variant.
Coding change: c.536C>T on transcript NM_032802.4 (MANE Select); coding-DNA position 536, C replaced by T.
Protein change: p.Ala179Val; replaces alanine 179 with valine.
Molecular consequence: missense variant.
Genome position (GRCh38, 1-based): chr15:50,747,543, G>A on the plus strand (C>T on the coding strand, the complement: SPPL2A is on the minus strand). VCF-style: chr15-50747543-G-A. GRCh37 (hg19) VCF-style: chr15-51039740-G-A.
Other names: c.536C>T (NM_032802.3); short protein forms A179V.
Identifiers: ClinVar variation 2151190 (VCV002151190.6), dbSNP rs200127156, ClinGen allele CA7558485.
Genomic context (GRCh38, chr15:50,747,543, plus strand): 5'-AATTAAACTTACAATTCAACTAGTCCACTCCAGTATCCACCTAATGCCACAGTGAACACC[G>A]CAATTACAAAAATAACCACCATAGTATAATCAAAGTTAGGCCACGATGGAGAATACATTT-3'
Protein context (NP_116191.2, residues 169-189): DYTMVVIFVI[Ala179Val]VFTVALGGYW